The following is an entry in ClinVar:

ClinVar aggregate classification (germline): Uncertain significance (1 of 4 stars; one submission).

Allele frequency attached by ClinVar (database versions not stated): gnomAD exomes below 0.00001; TOPMed 0.00002.
gnomAD v4.1: 1 of 1,613,896 alleles (0.000062%); highest among the groups gnomAD compares: Non-Finnish European, 0.000085%; no homozygotes.

Submission:

CeGaT Center for Human Genetics Tuebingen
Classification: Uncertain significance. Last evaluated: 2022-07-01. Review status: criteria provided, single submitter. Criteria: CeGaT Center For Human Genetics Tuebingen Variant Classification Criteria Version 2. Collection method: clinical testing. Allele origin: germline. Affected: yes. Observed: 1 variant allele.
Comment: LONP1: PM2, BP4

NM_004793.4(LONP1):c.2728A>G (p.Ile910Val)

Gene: LONP1 (lon peptidase 1, mitochondrial; minus strand). Cytogenetic location: 19p13.3.
Variant type: single nucleotide variant.
Coding change: c.2728A>G on transcript NM_004793.4 (MANE Select); coding-DNA position 2728, A replaced by G.
Protein change: p.Ile910Val; replaces isoleucine 910 with valine.
Molecular consequence: missense variant. On other transcripts: non-coding transcript variant (1).
Genome position (GRCh38, 1-based): chr19:5,692,184, T>C on the plus strand (A>G on the coding strand, the complement: LONP1 is on the minus strand). VCF-style: chr19-5692184-T-C. GRCh37 (hg19) VCF-style: chr19-5692195-T-C.
Other names: c.2536A>G, p.Ile846Val (NM_001276479.2); c.2140A>G, p.Ile714Val (NM_001276480.1); short protein forms I714V, I846V, I910V.
Identifiers: ClinVar variation 2649119 (VCV002649119.24), dbSNP rs61737436, ClinGen allele CA304607267.